The following is an entry in ClinVar:

NM_001111125.3(IQSEC2):c.2625C>A (p.Phe875Leu)

Gene: IQSEC2 (IQ motif and Sec7 domain ArfGEF 2; minus strand). Cytogenetic location: Xp11.22.
Variant type: single nucleotide variant.
Coding change: c.2625C>A on transcript NM_001111125.3 (MANE Select); coding-DNA position 2625, C replaced by A.
Protein change: p.Phe875Leu; replaces phenylalanine 875 with leucine.
Molecular consequence: missense variant.
Genome position (GRCh38, 1-based): chrX:53,247,093, G>T on the plus strand (C>A on the coding strand, the complement: IQSEC2 is on the minus strand). VCF-style: chrX-53247093-G-T. GRCh37 (hg19) VCF-style: chrX-53276275-G-T.
Other names: c.2625C>A, p.Phe875Leu (NM_001410736.1); c.2010C>A, p.Phe670Leu (NM_015075.2); short protein forms F670L, F875L.
Identifiers: ClinVar variation 4056801 (VCV004056801.1).

ClinVar aggregate classification (germline): Uncertain significance (1 of 4 stars; one submission).

Conditions:
Intellectual developmental disorder, X-linked 1. Also called: Atkin Flaitz Patil Smith syndrome; MENTAL RETARDATION, X-LINKED 18; MENTAL RETARDATION, X-LINKED 78; Intellectual disability, X-linked 1. Identifiers: Orphanet 777, MedGen C2931498, MONDO:0010656, OMIM 309530.

gnomAD v4.1: 1 of 1,211,323 alleles (0.000083%); highest among the groups gnomAD compares: African/African-American, 0.0017%; no homozygotes.

Submission:

Laboratorio de Genetica e Diagnostico Molecular, Hospital Israelita Albert Einstein
Classification: Uncertain significance for Intellectual developmental disorder, X-linked 1. Last evaluated: 2023-08-12. Review status: criteria provided, single submitter. Criteria: ACMG Guidelines, 2015. Collection method: clinical testing. Allele origin: germline. Affected: yes.
Comment: ACMG classification criteria: PM2 moderate, PP2 supporting, BP4 supporting